The following is an entry in ClinVar:

NM_013254.4(TBK1):c.1735GAA[1] (p.Glu580del)

Gene: TBK1 (TANK binding kinase 1; plus strand). Cytogenetic location: 12q14.2.
Variant type: Microsatellite.
Coding change: c.1735GAA[1] on transcript NM_013254.4 (MANE Select); one copy of the 3-base unit GAA starting at c.1735; the reference has two copies in a row; one copy, 3 bases deleted.
Protein change: p.Glu580del; deletes glutamic acid 580.
Genome position (GRCh38, 1-based): chr12:64,496,384-64,496,386, GAA deleted; deleting any 3 consecutive bases within chr12:64,496,381-64,496,386 gives the same sequence; the position shown is the placement nearest the transcript's 3' end. VCF-style (leftmost placement, unchanged base first): chr12-64496380-TGAA-T. GRCh37 (hg19) VCF-style: chr12-64890160-TGAA-T.
Other names: short protein forms E580del.
Identifiers: ClinVar variation 4762655 (VCV004762655.1).

ClinVar aggregate classification (germline): Uncertain significance (1 of 4 stars; one submission).

Conditions:
Frontotemporal dementia and/or amyotrophic lateral sclerosis 4. Also called: FTDALS4. Identifiers: Orphanet 275872, MedGen C4225325, MONDO:0014641, OMIM 616439.

Submission:

Labcorp Genetics (formerly Invitae), Labcorp
Classification: Uncertain significance for Frontotemporal dementia and/or amyotrophic lateral sclerosis 4. Last evaluated: 2025-02-23. Review status: criteria provided, single submitter. Criteria: Invitae Variant Classification Sherloc (09022015). Collection method: clinical testing. Allele origin: germline.
Comment: This variant, c.1738_1740del, results in the deletion of 1 amino acid(s) of the TBK1 protein (p.Glu580del), but otherwise preserves the integrity of the reading frame. This variant is not present in population databases (gnomAD no frequency). This variant has not been reported in the literature in individuals affected with TBK1-related conditions. Experimental studies and prediction algorithms are not available or were not evaluated, and the functional significance of this variant is currently unknown. In summary, the available evidence is currently insufficient to determine the role of this variant in disease. Therefore, it has been classified as a Variant of Uncertain Significance.